The following is an entry in ClinVar:

ClinVar aggregate classification (germline): Uncertain significance. Review status: criteria provided, multiple submitters, no conflicts (2 of 4 stars). 2 submissions from 2 submitters: Uncertain significance (2). Last evaluated 2025-08-31.

Allele frequency attached by ClinVar (database versions not stated): TOPMed below 0.00001; ExAC 0.00001; gnomAD exomes 0.00001.
gnomAD v4.1: 8 of 1,588,986 alleles (0.0005%); highest among the groups gnomAD compares: Non-Finnish European, 0.00069%; no homozygotes.

Submissions (2):

Labcorp Genetics (formerly Invitae), Labcorp
Classification: Uncertain significance. Last evaluated: 2025-08-31. Review status: criteria provided, single submitter. Criteria: Invitae Variant Classification Sherloc (09022015). Collection method: clinical testing. Allele origin: germline.
Comment: This sequence change replaces arginine, which is basic and polar, with cysteine, which is neutral and slightly polar, at codon 995 of the CDAN1 protein (p.Arg995Cys). This variant is present in population databases (rs752710811, gnomAD 0.007%). This variant has not been reported in the literature in individuals affected with CDAN1-related conditions. ClinVar contains an entry for this variant (Variation ID: 1163965). An algorithm developed to predict the effect of missense changes on protein structure and function (PolyPhen-2) suggests that this variant is likely to be disruptive. Algorithms developed to predict the effect of sequence changes on RNA splicing suggest that this variant may disrupt the consensus splice site. In summary, the available evidence is currently insufficient to determine the role of this variant in disease. Therefore, it has been classified as a Variant of Uncertain Significance.

Mayo Clinic Laboratories, Mayo Clinic
Classification: Uncertain significance. Last evaluated: 2020-12-07. Review status: criteria provided, single submitter. Criteria: ACMG Guidelines, 2015. Collection method: clinical testing. Allele origin: germline. Observed: 1 variant allele.

NM_138477.4(CDAN1):c.2983C>T (p.Arg995Cys)

Gene: CDAN1 (codanin 1; minus strand). Cytogenetic location: 15q15.2.
Variant type: single nucleotide variant.
Coding change: c.2983C>T on transcript NM_138477.4 (MANE Select); coding-DNA position 2983, C replaced by T.
Protein change: p.Arg995Cys; replaces arginine 995 with cysteine.
Molecular consequence: missense variant.
Genome position (GRCh38, 1-based): chr15:42,727,734, G>A on the plus strand (C>T on the coding strand, the complement: CDAN1 is on the minus strand). VCF-style: chr15-42727734-G-A. GRCh37 (hg19) VCF-style: chr15-43019932-G-A.
Other names: short protein forms R995C.
Identifiers: ClinVar variation 1163965 (VCV001163965.6), dbSNP rs752710811, ClinGen allele CA7515351.
Genomic context (GRCh38, chr15:42,727,734, plus strand): 5'-GGGAGCAGCCCCTCCGCTCCCCCCGGGCAGCAGGTTCAGGACCCTGGGCTCGAAGTGTGC[G>A]ACTCACTGCTGCTTTCACCTCCCTCCTGATCAGTGCTGTGGGGCAGAGGGAGAATGGGAA-3'
Protein context (NP_612486.2, residues 985-1005): IRREVKAAVS[Arg995Cys]TLRAQGPEPA